The following is an entry in ClinVar:

ClinVar aggregate classification (germline): Pathogenic. Review status: criteria provided, multiple submitters, no conflicts (2 of 4 stars). 6 submissions from 6 submitters: Pathogenic (5). 1 of the submissions does not count toward it. Last evaluated 2025-12-18.

Conditions:
Hereditary cancer-predisposing syndrome. Also called: Hereditary Cancer Syndrome; Tumor predisposition; Neoplastic Syndromes, Hereditary; Hereditary neoplastic syndrome. Identifiers: Orphanet 140162, MedGen C0027672, MeSH D009386, MONDO:0015356.
Multiple endocrine neoplasia, type 1 (MEN1). Also called: MEA I; MEN I; WERMER SYNDROME; Endocrine adenomatosis multiple; MEN 1. Identifiers: Orphanet 652, MedGen C0025267, MeSH D018761, MONDO:0007540, OMIM 131100.

Submissions (6):

Labcorp Genetics (formerly Invitae), Labcorp
Classification: Pathogenic for Multiple endocrine neoplasia, type 1. Last evaluated: 2025-12-18. Review status: criteria provided, single submitter. Criteria: Invitae Variant Classification Sherloc (09022015). Collection method: clinical testing. Allele origin: germline.
Comment: This variant, c.358_360del, results in the deletion of 1 amino acid(s) of the MEN1 protein (p.Lys120del), but otherwise preserves the integrity of the reading frame. This variant is not present in population databases (gnomAD no frequency). This variant has been observed in individuals with hyperparathyroidism and multiple endocrine neoplasia type 1 (PMID: 9103196, 12807514, 17879353, 22470073). It has also been observed to segregate with disease in related individuals. Invitae Evidence Modeling of clinical and family history, age, sex, and reported ancestry of multiple individuals with this MEN1 variant has been performed. This variant is expected to be pathogenic with a positive predictive value of at least 99%. This is a validated machine learning model that incorporates the clinical features of 1,366,787 individuals referred to our laboratory for MEN1 testing. This variant is also known as K119del. ClinVar contains an entry for this variant (Variation ID: 201019). Algorithms developed to predict the effect of variants on gene product structure and function are not available or were not evaluated for this variant. Experimental studies have shown that this variant affects MEN1 function (PMID: 15254225, 21819486). For these reasons, this variant has been classified as Pathogenic.

ARUP Laboratories, Molecular Genetics and Genomics, ARUP Laboratories
Classification: Pathogenic. Last evaluated: 2024-03-27. Review status: criteria provided, single submitter. Criteria: ARUP Molecular Germline Variant Investigation Process 2024. Collection method: clinical testing. Allele origin: germline.
Comment: The MEN1 c.358_360delAAG; p.Lys120del variant (rs794728657; ClinVar Variation ID: 201019), also known as K119del, is reported in the literature in multiple individuals and families affected with multiple endocrine neoplasia type 1 (Chandrasekharappa 1997, Klein 2005, Lemos 2008, Tso 2003). This variant is absent from the Genome Aggregation Database (v2.1.1), indicating it is not a common polymorphism. This variant deletes a single lysine residue leaving the rest of the protein in-frame, but functional analyses of the variant protein show destabilization of the MEN1 protein leading to degradation by the proteasome (Shimazu 2011, Yaguchi 2004). Based on available information, this variant is considered to be pathogenic. References: Chandrasekharappa SC et al. Positional cloning of the gene for multiple endocrine neoplasia-type 1. Science. 1997 276(5311):404-7. PMID: 9103196 Klein RD et al. Clinical testing for multiple endocrine neoplasia type 1 in a DNA diagnostic laboratory. Genet Med. 2005 7(2):131-8. PMID: 15714081 Lemos MC and Thakker RV. Multiple endocrine neoplasia type 1 (MEN1): analysis of 1336 mutations reported in the first decade following identification of the gene. Hum Mutat. 2008 Jan;29(1):22-32. PMID: 17879353 Shimazu S et al. Correlation of mutant menin stability with clinical expression of multiple endocrine neoplasia type 1 and its incomplete forms. Cancer Sci. 2011 102(11):2097-102. PMID: 21819486 Tso AW et al. Multiple endocrine neoplasia type 1 (MEN1): genetic and clinical analysis in the Southern Chinese. Clin Endocrinol (Oxf). 2003 Jul;59(1):129-35. PMID: 12807514 Yaguchi H et al. Menin missense mutants associated with multiple endocrine neoplasia type 1 are rapidly degraded via the ubiquitin-proteasome pathway. Mol Cell Biol. 2004 Aug;24(15):6569-80. PMID: 15254225

Ambry Genetics
Classification: Pathogenic for Hereditary cancer-predisposing syndrome. Last evaluated: 2023-10-30. Review status: criteria provided, single submitter. Criteria: Ambry Variant Classification Scheme 2023. Collection method: clinical testing. Allele origin: germline.
Comment: The c.358_360delAAG pathogenic mutation (also known as p.K120del) is located in coding exon 1 of the MEN1 gene. This pathogenic mutation results from an in-frame deletion of 3 nucleotides at positions 358 to 360. This results in the deletion of a lysine residue at codon 120. In a review of the literature, this mutation represented 1.7% of reported MEN1 mutations (Lemos MC et al. Hum Mutat. 2008 Jan;29(1):22-32). This mutation has been identified in multiple, ethnically-diverse individuals with a clinical diagnosis of multiple endocrine neoplasia type 1 (MEN1), and has been shown to segregate with disease in several MEN1 families (Agarwal et al. Hum Molec Genet. 1997;6(7):169; Chandrasekharappa et al. Science. 1997;276:40; Shimizu S et al. Jpn. J. Cancer Res. 1997 Nov;88:1029-32; Sakurai et al. J Hum Genet. 1998;43:999; Tso et al. Clin Endocrinol. 2003;59:129; Goroshi M et al. Fam. Cancer. 2016 10;15:617-24; Bhatti TR et al. J. Clin. Endocrinol. Metab. 2016 Mar;101:914-22). This alteration was also identified in an individual diagnosed with an insulinoma (Bhatti TR et al. J. Clin. Endocrinol. Metab. 2016 Mar;101:914-22). Furthermore, functional data has demonstrated that this mutation leads to reduced protein expression (approximately 20% compared to wild type) due to rapid degradation of the mutant protein by the cell (Shimazu et al. Cancer Sci. 2011;102:2097; Yaguchi H et al. Mol. Cell. Biol. 2004 Aug;24(15):6569-80). Of note, this alteration is also designated as p.K119del in the published literature. Based on the supporting evidence, this alteration is interpreted as a disease-causing mutation.

GeneDx
Classification: Pathogenic. Last evaluated: 2022-07-11. Review status: criteria provided, single submitter. Criteria: GeneDx Variant Classification Process June 2021. Collection method: clinical testing. Allele origin: germline. Affected: yes.
Comment: In-frame deletion of 1 amino acids in a non-repeat region; Published functional studies demonstrate a damaging effect: decreased protein expression and proteasomal degradation (Yaguchi et al., 2004; Shimazu et al., 2011); Not observed at significant frequency in large population cohorts (gnomAD); In silico analysis supports a deleterious effect on protein structure/function; Published functional studies demonstrate decrease in protein level due to proteasomal degradation (Yaguchi et al.,2004).; This variant is associated with the following publications: (PMID: 10849016, 26767918, 29134609, 9103196, 9215689, 26756113, 10660339, 10598193, 9709922, 26905068, 9709985, 9747036, 9439676, 9652567, 24915123, 26126205, 25527055, 11435815, 8878463, 11741745, 12050235, 12049533, 12746426, 9463336, 17879353, 12112656, 11836268, 15670192, 15714081, 29497973, 30324798, 33144682, 12807514, 30787465, 15254225, 21819486)

Baylor Genetics
Classification: Pathogenic for Multiple Endocrine Neoplasia Type 1. Last evaluated: 2021-07-04. Review status: criteria provided, single submitter. Criteria: ACMG Guidelines, 2015. Collection method: clinical testing. Allele origin: unknown.

OMIM
Classification: Pathogenic for MULTIPLE ENDOCRINE NEOPLASIA, TYPE I. Last evaluated: 1997-04-18. Review status: no assertion criteria provided. Collection method: literature only. Allele origin: germline. Not counted in ClinVar's aggregate classification.

Literature cited by the submitters: PubMed 9103196 (cited by 3 submitters); PubMed 12807514 (cited by Labcorp Genetics (formerly Invitae), Labcorp and Ambry Genetics); PubMed 17879353 (cited by Labcorp Genetics (formerly Invitae), Labcorp and Ambry Genetics); PubMed 22470073 (cited by Labcorp Genetics (formerly Invitae), Labcorp); PubMed 15254225 (cited by Labcorp Genetics (formerly Invitae), Labcorp and Ambry Genetics); PubMed 21819486 (cited by Labcorp Genetics (formerly Invitae), Labcorp and Ambry Genetics); PubMed 26756113 (cited by Ambry Genetics); PubMed 26905068 (cited by Ambry Genetics); PubMed 9215689 (cited by Ambry Genetics); PubMed 9439676 (cited by Ambry Genetics); PubMed 9747036 (cited by Ambry Genetics).

NM_001370259.2(MEN1):c.355AAG[1] (p.Lys120del)

Gene: MEN1 (menin 1; minus strand). Cytogenetic location: 11q13.1.
Variant type: Microsatellite.
Coding change: c.355AAG[1] on transcript NM_001370259.2 (MANE Select); one copy of the 3-base unit AAG starting at c.355; the reference has two copies in a row; one copy, 3 bases deleted.
Protein change: p.Lys120del; deletes lysine 120.
Molecular consequence: inframe deletion.
Genome position (GRCh38, 1-based): chr11:64,809,750-64,809,752, CTT deleted on the plus strand (AAG on the coding strand, the reverse complement: MEN1 is on the minus strand); deleting any 3 consecutive bases within chr11:64,809,750-64,809,756 gives the same sequence; the position shown is the placement nearest the transcript's 3' end. VCF-style (leftmost placement, unchanged base first): chr11-64809749-CCTT-C. GRCh37 (hg19) VCF-style: chr11-64577221-CCTT-C.
Other names: MEN1, 3-BP DEL, LYS119DEL; K119del; c.355AAG[1], p.Lys120del (NM_000244.4, NM_001370251.2, NM_001370260.2 and 9 more transcripts); c.358_360delAAG (NM_130799.2); short protein forms K120del.
Identifiers: ClinVar variation 201019 (VCV000201019.67), dbSNP rs794728657, ClinGen allele CA009382.